The following is an entry in ClinVar:

ClinVar aggregate classification (germline): Conflicting classifications of pathogenicity. Review status: criteria provided, conflicting classifications (1 of 4 stars). 8 submissions from 7 submitters: Uncertain significance (5); Likely benign (1). 2 of the submissions do not count toward it. Last evaluated 2025-06-01.

Conditions:
Aortic valve disease 1 (AOVD1). Identifiers: MedGen C3887892, MONDO:0024523, OMIM 109730.
Adams-Oliver syndrome 5 (AOS5). Identifiers: Orphanet 974, MedGen C4014970, MONDO:0014459, OMIM 616028.

Allele frequency attached by ClinVar (database versions not stated): ExAC below 0.00001; gnomAD exomes 0.00001; TOPMed 0.00002.

Submissions (8):

CeGaT Center for Human Genetics Tuebingen
Classification: Likely benign. Last evaluated: 2025-06-01. Review status: criteria provided, single submitter. Criteria: CeGaT Center For Human Genetics Tuebingen Variant Classification Criteria Version 2. Collection method: clinical testing. Allele origin: germline. Affected: yes. Observed: 1 variant allele.
Comment: NOTCH1: BP4

GeneDx
Classification: Uncertain significance. Last evaluated: 2025-01-17. Review status: criteria provided, single submitter. Criteria: GeneDx Variant Classification Process June 2021. Collection method: clinical testing. Allele origin: germline. Affected: yes.
Comment: Not observed at significant frequency in large population cohorts (gnomAD); In silico analysis indicates that this missense variant does not alter protein structure/function; Has not been previously published as pathogenic or benign to our knowledge

Labcorp Genetics (formerly Invitae), Labcorp
Classification: Uncertain significance for Adams-Oliver syndrome 5. Last evaluated: 2024-12-16. Review status: criteria provided, single submitter. Criteria: Invitae Variant Classification Sherloc (09022015). Collection method: clinical testing. Allele origin: germline.
Comment: This sequence change replaces arginine, which is basic and polar, with glutamine, which is neutral and polar, at codon 1662 of the NOTCH1 protein (p.Arg1662Gln). The frequency data for this variant in the population databases is considered unreliable, as metrics indicate poor data quality at this position in the gnomAD database. This variant has not been reported in the literature in individuals affected with NOTCH1-related conditions. ClinVar contains an entry for this variant (Variation ID: 625987). Invitae Evidence Modeling of protein sequence and biophysical properties (such as structural, functional, and spatial information, amino acid conservation, physicochemical variation, residue mobility, and thermodynamic stability) indicates that this missense variant is not expected to disrupt NOTCH1 protein function with a negative predictive value of 95%. In summary, the available evidence is currently insufficient to determine the role of this variant in disease. Therefore, it has been classified as a Variant of Uncertain Significance.

Genome-Nilou Lab
Classification: Uncertain significance for Adams-Oliver syndrome 5. Last evaluated: 2022-03-15. Review status: criteria provided, single submitter. Criteria: ACMG Guidelines, 2015. Collection method: clinical testing. Allele origin: germline. Affected: no.

Genome-Nilou Lab
Classification: Uncertain significance for Aortic valve disease 1. Last evaluated: 2022-03-15. Review status: criteria provided, single submitter. Criteria: ACMG Guidelines, 2015. Collection method: clinical testing. Allele origin: germline. Affected: no.

Center for Genomics, Ann and Robert H. Lurie Children's Hospital of Chicago
Classification: Uncertain significance for Adams-Oliver syndrome 5; Aortic valve disease 1. Review status: criteria provided, single submitter. Criteria: ACMG Guidelines, 2015. Collection method: clinical testing. Allele origin: germline.
Comment: NOTCH1 NM_017617.5 exon 26 p.Arg1662Gln (c.4985G>A): This variant has not been reported in the literature and is not present in large control databases. This variant amino acid Glutamine (Gln) is present in several species, including multiple mammals, and it is not well conserved among evolutionarily distant species; this suggests that this variant may not impact the protein. Additional computational prediction tools do not suggest an impact. In summary, data on this variant is insufficient for disease classification. Therefore, the clinical significance of this variant is uncertain

Clinical Genetics DNA and cytogenetics Diagnostics Lab, Erasmus MC, Erasmus Medical Center
Classification: Likely benign. Review status: no assertion criteria provided. Collection method: clinical testing. Allele origin: germline. Affected: yes. Study: VKGL Data-share Consensus. Not counted in ClinVar's aggregate classification.

Genome Diagnostics Laboratory, University Medical Center Utrecht
Classification: Likely benign. Review status: no assertion criteria provided. Collection method: clinical testing. Allele origin: germline. Affected: yes. Study: VKGL Data-share Consensus. Not counted in ClinVar's aggregate classification.

NM_017617.5(NOTCH1):c.4985G>A (p.Arg1662Gln)

Gene: NOTCH1 (notch receptor 1; minus strand). Cytogenetic location: 9q34.3.
Variant type: single nucleotide variant.
Coding change: c.4985G>A on transcript NM_017617.5 (MANE Select); coding-DNA position 4985, G replaced by A.
Protein change: p.Arg1662Gln; replaces arginine 1662 with glutamine.
Molecular consequence: missense variant.
Genome position (GRCh38, 1-based): chr9:136,504,706, C>T on the plus strand (G>A on the coding strand, the complement: NOTCH1 is on the minus strand). VCF-style: chr9-136504706-C-T. GRCh37 (hg19) VCF-style: chr9-139399158-C-T.
Other names: c.4985G>A (NM_017617.3); c.4985G>A, p.Arg1662Gln (LRG_1122t1); short protein forms R1662Q.
Identifiers: ClinVar variation 625987 (VCV000625987.22), dbSNP rs774808496, ClinGen allele CA5340485.